The following is an entry in ClinVar:

NM_000051.4(ATM):c.2284_2285del (p.Leu762fs)

Gene: ATM (ATM serine/threonine kinase; plus strand). Cytogenetic location: 11q22.3.
Variant type: Microsatellite.
Coding change: c.2284_2285del on transcript NM_000051.4 (MANE Select); coding-DNA positions 2284 to 2285, 2 bases deleted (CT; older notation c.2284_2285delCT).
Protein change: p.Leu762fs; shifts the reading frame from leucine 762.
Molecular consequence: frameshift variant.
Genome position (GRCh38, 1-based): chr11:108,257,514-108,257,515, CT deleted; deleting any 2 consecutive bases within chr11:108,257,512-108,257,515 gives the same sequence; the c. name uses the placement nearest the transcript's 3' end. VCF-style (leftmost placement, unchanged base first): chr11-108257511-ACT-A. GRCh37 (hg19) VCF-style: chr11-108128238-ACT-A.
Other names: NM_000051.4(ATM):c.2284_2285del; p.Leu762fs; c.2284_2285delCT (NM_000051.3); c.2284_2285del, p.Leu762fs (NM_001351834.2); short protein forms L762fs.
Identifiers: ClinVar variation 141325 (VCV000141325.41), dbSNP rs587781658, ClinGen allele CA165116.

ClinVar aggregate classification (germline): Pathogenic. Review status: reviewed by expert panel (3 of 4 stars). 18 submissions from 18 submitters: Pathogenic (1). 17 of the submissions do not count toward it. Last evaluated 2025-06-11.

Conditions:
ATM-related cancer predisposition. Also called: ATM-related cancer susceptibility. Identifiers: MedGen CN377759, MONDO:0700270.
ATM-related disorder. Also called: ATM-related disorders; ATM-related condition.
Inherited breast cancer and ovarian cancer.
Familial cancer of breast. Also called: hereditary breast carcinoma; BREAST CANCER, FAMILIAL; Hereditary breast cancer. Identifiers: Orphanet 227535, MedGen C0346153, MONDO:0016419, OMIM 114480. Disease mechanism: loss of function.
Ataxia-telangiectasia syndrome (AT). Also called: LOUIS-BAR SYNDROME; ATAXIA-TELANGIECTASIA, COMPLEMENTATION GROUP A; ATAXIA-TELANGIECTASIA, FRESNO VARIANT; Ataxia-telangiectasia; Ataxia telangiectasia (A-T); Ataxia-telangiectasia, complementation group D. Identifiers: Orphanet 100, MedGen C0004135, MONDO:0008840, OMIM 208900.
Hereditary cancer-predisposing syndrome. Also called: Hereditary neoplastic syndrome; Neoplastic Syndromes, Hereditary; Tumor predisposition; Hereditary Cancer Syndrome. Identifiers: Orphanet 140162, MedGen C0027672, MeSH D009386, MONDO:0015356.
Malignant tumor of breast. Also called: Malignant breast neoplasm; Cancer breast. Identifiers: MedGen C0006142, MONDO:0007254. Disease mechanism: loss of function.

Submissions 1 to 10 of 18:

ClinGen Hereditary Breast, Ovarian and Pancreatic Cancer Variant Curation Expert Panel, ClinGen
Classification: Pathogenic for ATM-related cancer predisposition. Last evaluated: 2025-06-11. Review status: reviewed by expert panel. Criteria: ClinGen HBOP ACMG Specifications ATM V1.3.0. Collection method: curation. Allele origin: germline. Inheritance: Autosomal dominant inheritance.
Comment: The c.2284_2285del (p.Leu762Valfs*2) variant in ATM is a frameshift variant in a biologically-relevant-exon predicted to cause a premature stop codon leading to nonsense mediated decay in a gene in which loss-of-function is an established disease mechanism. This alteration results in a termination codon upstream of the most C-terminus pathogenic alteration (ATM p.Arg3047*), as classified by the HBOP VCEP, and is expected to be more deleterious. This variant has been detected in at least three unrelated individuals with Ataxia-Telangiectasia (PMID: 26896183). The highest population minor allele frequency in gnomAD v4.1 is 0.00002119 in the European (non-Finnish) population (PM2_Supporting, BS1, and BA1 are not met). In summary, this variant meets the criteria to be classified as pathogenic for autosomal dominant ATM-related cancer predisposition and autosomal recessive Ataxia-Telangiectasia based on the ACMG/AMP criteria applied as specified by the HBOP VCEP. (PVS1, PM5_Supporing, PM3_Strong)

Genomics and Molecular Medicine Service, East Genomic Laboratory Hub, NHS Genomic Medicine Service
Classification: Pathogenic for Inherited breast cancer and ovarian cancer. Last evaluated: 2026-10-06. Review status: criteria provided, single submitter. Criteria: ACGS Best Practice Guidelines for Variant Classification in Rare Disease 2020. Collection method: clinical testing. Allele origin: germline. Affected: yes. Not counted in ClinVar's aggregate classification.
Comment: PVS1,PM3_Strong,PM5_Supporting

Labcorp Genetics (formerly Invitae), Labcorp
Classification: Pathogenic for Ataxia-telangiectasia syndrome. Last evaluated: 2026-01-26. Review status: criteria provided, single submitter. Criteria: Invitae Variant Classification Sherloc (09022015). Collection method: clinical testing. Allele origin: germline. Not counted in ClinVar's aggregate classification.
Comment: This sequence change creates a premature translational stop signal (p.Leu762Valfs*2) in the ATM gene. It is expected to result in an absent or disrupted protein product. Loss-of-function variants in ATM are known to be pathogenic (PMID: 23807571, 25614872). This variant is present in population databases (rs587781658, gnomAD 0.002%). This premature translational stop signal has been observed in individual(s) with ataxia-telangiectasia (PMID: 8789452, 8845835, 9463314, 21792198, 27484032). For these reasons, this variant has been classified as Pathogenic.

Natera, Inc.
Classification: Pathogenic for Ataxia-telangiectasia. Last evaluated: 2025-10-16. Review status: criteria provided, single submitter. Criteria: Natera Variant Classification Schema (03/2026). Collection method: clinical testing. Allele origin: germline. Not counted in ClinVar's aggregate classification.
Comment: The c.2284_2285delCT variant in ATM is a frameshift variant predicted to shift the reading frame beginning at codon 762 and leads to a stop codon 2 codons downstream. This variant is expected to result in nonsense mediated decay, truncation, or a dysfunctional protein product. This variant is rare in the general population with a frequency below the threshold expected for the associated phenotype(s). This variant has been observed in one or more individuals affected with the associated recessive disease, as either homozygous or compound heterozygous with a second variant (PMID: 8845835, 30549301). Given the available evidence, this variant is classified as Pathogenic.

Quest Diagnostics Nichols Institute San Juan Capistrano
Classification: Pathogenic. Last evaluated: 2025-04-15. Review status: criteria provided, single submitter. Criteria: Quest Diagnostics criteria. Collection method: clinical testing. Allele origin: unknown. Not counted in ClinVar's aggregate classification.
Comment: The ATM c.2284_2285del (p.Leu762Valfs*2) variant alters the translational reading frame of the ATM mRNA and causes the premature termination of ATM protein synthesis. This variant has been reported in the published literature in individuals with ataxia-telangiectasia (PMID: 8789452 (1996), 8845835 (1996), 9463314 (1998), 21792198 (2011), 30549301 (2019), 37802069 (2023)). This variant has also been identified in individuals with breast cancer (PMID: 26786923 (2016), 28486781 (2017), 28779002 (2017), 30128536 (2018), 33471991 (2021), see also LOVD), prostate cancer (PMID: 28657667 (2017), 32853339 (2021)), as well as in reportedly unaffected individuals (PMID: 33471991 (2021), see also LOVD). The frequency of this variant in the general population (Genome Aggregation Database) is consistent with pathogenicity. Based on the available information, this variant is classified as pathogenic.

Department of Clinical Genetics, Copenhagen University Hospital, Rigshospitalet
Classification: Pathogenic for Familial cancer of breast; Ataxia-telangiectasia syndrome. Last evaluated: 2025-02-04. Review status: criteria provided, single submitter. Criteria: ACMG Guidelines, 2015. Collection method: clinical testing. Allele origin: germline. Not counted in ClinVar's aggregate classification.
Comment: PVS1; PM3; PM5_SUP

Greenwood Genetic Center Diagnostic Laboratories, Greenwood Genetic Center
Classification: Pathogenic for Ataxia-telangiectasia syndrome. Last evaluated: 2025-01-31. Review status: criteria provided, single submitter. Criteria: ACMG Guidelines, 2015. Collection method: clinical testing. Allele origin: germline. Not counted in ClinVar's aggregate classification.
Comment: PVS1, PM2, PM3_Supporting

Ambry Genetics
Classification: Pathogenic for Hereditary cancer-predisposing syndrome. Last evaluated: 2025-01-30. Review status: criteria provided, single submitter. Criteria: Ambry Variant Classification Scheme 2023. Collection method: clinical testing. Allele origin: germline. Not counted in ClinVar's aggregate classification.
Comment: The c.2284_2285delCT pathogenic mutation, located in coding exon 14 of the ATM gene, results from a deletion of two nucleotides at nucleotide positions 2284 to 2285, causing a translational frameshift with a predicted alternate stop codon (p.L762Vfs*2). This mutation has been reported in either a homozygous or compound heterozygous state in multiple individuals affected with ataxia-telangiectasia (AT) (Byrd PJ et al. Hum. Mol. Genet. 1996 Jan;5:145-9; Gilad S et al. Hum. Mol. Genet. 1996 Apr;5:433-9; Stankovic T et al. Am. J. Hum. Genet. 1998 Feb;62:334-45; Kraus M et al. J Clin Immunol, 2014 Jul;34:561-72; Yu H et al. J. Allergy Clin. Immunol. 2016 Oct;138:1142-1151.e2). This mutation has also been reported in a heterozygous state in multiple breast cancer patients as well as prostate and colorectal cancer patients (Lolas Hamameh S et al. Int J Cancer. 2017 Aug 15;141(4):750-756; Pilie PG et al. Cancer. 2017 Oct 15;123(20):3925-3932; Decker B et al. J Med Genet. 2017 Nov;54(11):732-741; Wang YA et al. BMC Cancer. 2018 Mar 22;18(1):315; Xu Y et al. Front Oncol, 2020 Sep;10:1603; Dorling et al. N Engl J Med. 2021 02;384:428-439). In addition to the clinical data presented in the literature, this alteration is expected to result in loss of function by premature protein truncation or nonsense-mediated mRNA decay. As such, this alteration is interpreted as a disease-causing mutation.

Color Diagnostics, LLC DBA Color Health
Classification: Pathogenic for Hereditary cancer-predisposing syndrome. Last evaluated: 2024-06-03. Review status: criteria provided, single submitter. Criteria: ACMG Guidelines, 2015. Collection method: clinical testing. Allele origin: germline. Not counted in ClinVar's aggregate classification.
Comment: This variant deletes 2 nucleotides in exon 15 of the ATM gene, creating a frameshift and premature translation stop signal. This variant is expected to result in an absent or non-functional protein product. This variant has been reported in the homozygous state or in the compound heterozygous state with an additional pathogenic ATM variant in individuals affected with ataxia-telangiectasia (PMID: 8789452, 8845835, 9463314, 21792198, 37802069). This variant has also been reported in individuals affected with breast cancer, prostate cancer, or familial colorectal cancer type X (PMID: 28486781, 28657667, 28779002, 29566657, 32984025, 33471991). This variant has been identified in 2/251234 chromosomes in the general population by the Genome Aggregation Database (gnomAD). Loss of ATM function is a known mechanism of disease. Based on the available evidence, this variant is classified as Pathogenic.

Baylor Genetics
Classification: Pathogenic for Familial cancer of breast. Last evaluated: 2024-01-24. Review status: criteria provided, single submitter. Criteria: ACMG Guidelines, 2015. Collection method: clinical testing. Allele origin: unknown. Not counted in ClinVar's aggregate classification.